The following is an entry in ClinVar:

NM_005573.4(LMNB1):c.1126G>A (p.Ala376Thr)

Gene: LMNB1 (lamin B1; plus strand). Cytogenetic location: 5q23.2.
Variant type: single nucleotide variant.
Coding change: c.1126G>A on transcript NM_005573.4 (MANE Select); coding-DNA position 1126, G replaced by A.
Protein change: p.Ala376Thr; replaces alanine 376 with threonine.
Molecular consequence: missense variant. On other transcripts: non-coding transcript variant (2).
Genome position (GRCh38, 1-based): chr5:126,819,108, G>A. VCF-style: chr5-126819108-G-A. GRCh37 (hg19) VCF-style: chr5-126154800-G-A.
Other names: c.496G>A, p.Ala166Thr (NM_001198557.2); short protein forms A166T, A376T.
Identifiers: ClinVar variation 4881035 (VCV004881035.2).

ClinVar aggregate classification (germline): Uncertain significance (1 of 4 stars; one submission).

Conditions:
Microcephaly 26, primary, autosomal dominant. Identifiers: MedGen C5543048, MONDO:0030928, OMIM 619179.

Submission:

Dasa
Classification: Uncertain significance for Microcephaly 26, primary, autosomal dominant. Last evaluated: 2025-08-27. Review status: criteria provided, single submitter. Criteria: DASA Assertion Criteria. Collection method: clinical testing. Allele origin: germline.
Comment: NM_005573.4(LMNB1):c.1126G>A (p.Ala376Thr) is a missense variant that results in the substitution of alanine with threonine. This variant is absent from population databases. The currently available literature and clinical evidence are not sufficient to establish a definitive association between this variant and the reported condition. Therefore, this variant is classified as a variant of uncertain significance.